The following is an entry in ClinVar:

NM_033409.4(SLC52A3):c.481_484dup (p.Gly162fs)

Gene: SLC52A3 (solute carrier family 52 member 3; minus strand). Cytogenetic location: 20p13.
Variant type: Duplication.
Coding change: c.481_484dup on transcript NM_033409.4 (MANE Select); coding-DNA positions 481 to 484, 4 bases duplicated (TCCG; older notation c.481_484dupTCCG).
Protein change: p.Gly162fs; shifts the reading frame from glycine 162.
Molecular consequence: frameshift variant.
Genome position (GRCh38, 1-based): chr20:765,291-765,294, CGGA duplicated on the plus strand (TCCG on the coding strand, the reverse complement: SLC52A3 is on the minus strand). VCF-style (leftmost placement, unchanged base first): chr20-765290-C-CCGGA. GRCh37 (hg19) VCF-style: chr20-745934-C-CCGGA.
Other names: c.481_484dup, p.Gly162fs (NM_001370085.1, NM_001370086.1); short protein forms G162fs.
Identifiers: ClinVar variation 1425010 (VCV001425010.6), dbSNP rs1383679424, ClinGen allele CA634326094.
Genomic context (GRCh38, chr20:765,290, plus strand): 5'-GTGGGTACAGGGCTTGGTACGCTGTCTGATATCTCAGTGACATTGACGCAGGTAGTGAGA[C>CCGGA]CGGAGCCCTGGGCAAGAGCCACCAGGGCGGGCAAGAGGCCGCTGAGTCCTTCACCCACAA-3'

ClinVar aggregate classification (germline): Pathogenic (1 of 4 stars; one submission).

Conditions:
Brown-Vialetto-van Laere syndrome 1. Also called: BROWN-VIALETTO-VAN LAERE SYNDROME 1, MILD; BULBAR PALSY, PROGRESSIVE, WITH SENSORINEURAL DEAFNESS; PONTOBULBAR PALSY WITH DEAFNESS. Identifiers: Orphanet 572550, Orphanet 97229, MedGen C0796274, MONDO:0024537, OMIM 211530.

Allele frequency attached by ClinVar (database versions not stated): gnomAD exomes below 0.00001.

Submission:

Labcorp Genetics (formerly Invitae), Labcorp
Classification: Pathogenic for Brown-Vialetto-van Laere syndrome 1. Last evaluated: 2021-07-31. Review status: criteria provided, single submitter. Criteria: Invitae Variant Classification Sherloc (09022015). Collection method: clinical testing. Allele origin: germline.
Comment: This sequence change creates a premature translational stop signal (p.Gly162Valfs*11) in the SLC52A3 gene. It is expected to result in an absent or disrupted protein product. Loss-of-function variants in SLC52A3 are known to be pathogenic (PMID: 20206331, 22824638, 25462087). For these reasons, this variant has been classified as Pathogenic. This variant has not been reported in the literature in individuals affected with SLC52A3-related conditions. This variant is not present in population databases (ExAC no frequency).

Literature cited by the submitters: PubMed 20206331; PubMed 22824638; PubMed 25462087.